The following is an entry in ClinVar:

NM_000138.5(FBN1):c.4942+1G>T

Gene: FBN1 (fibrillin 1; minus strand). Cytogenetic location: 15q21.1.
Variant type: single nucleotide variant.
Coding change: c.4942+1G>T on transcript NM_000138.5 (MANE Select); the canonical splice donor site of the intron after coding-DNA position 4942, G replaced by T.
Molecular consequence: splice donor variant.
Genome position (GRCh38, 1-based): chr15:48,465,567, C>A on the plus strand (G>T on the coding strand, the complement: FBN1 is on the minus strand). VCF-style: chr15-48465567-C-A. GRCh37 (hg19) VCF-style: chr15-48757764-C-A.
Other names: c.4942+1G>T (NM_001406716.1).
Identifiers: ClinVar variation 4784576 (VCV004784576.1).

ClinVar aggregate classification (germline): Pathogenic (1 of 4 stars; one submission).

Conditions:
Marfan syndrome (MFS). Also called: FBN1-Related Marfan Syndrome; MARFAN SYNDROME, TYPE I; Marfan syndrome type 1; Marfan's syndrome; Marfan syndrome, classic. Identifiers: Orphanet 284963, Orphanet 558, MedGen C0024796, MONDO:0007947, OMIM 154700.
Familial thoracic aortic aneurysm and aortic dissection (TAAD). Also called: Thoracic aortic aneurysms and dissections. Identifiers: Orphanet 91387, MedGen C4707243, MONDO:0019625.

Submission:

Labcorp Genetics (formerly Invitae), Labcorp
Classification: Pathogenic for Marfan syndrome; Familial thoracic aortic aneurysm and aortic dissection. Last evaluated: 2025-03-30. Review status: criteria provided, single submitter. Criteria: Invitae Variant Classification Sherloc (09022015). Collection method: clinical testing. Allele origin: germline.
Comment: This sequence change affects a donor splice site in intron 40 of the FBN1 gene. It is expected to disrupt RNA splicing. Variants that disrupt the donor or acceptor splice site typically lead to a loss of protein function (PMID: 16199547), and loss-of-function variants in FBN1 are known to be pathogenic (PMID: 17657824, 19293843). This variant is not present in population databases (gnomAD no frequency). Disruption of this splice site has been observed in individual(s) with Marfan syndrome (PMID: 19293843). In at least one individual the variant was observed to be de novo. Algorithms developed to predict the effect of sequence changes on RNA splicing suggest that this variant may disrupt the consensus splice site. For these reasons, this variant has been classified as Pathogenic.

Literature cited by the submitters: PubMed 16199547; PubMed 17657824; PubMed 19293843.